The following is an entry in ClinVar:

NM_002439.5(MSH3):c.2674A>G (p.Met892Val)

Gene: MSH3 (mutS homolog 3; plus strand). Cytogenetic location: 5q14.1.
Variant type: single nucleotide variant.
Coding change: c.2674A>G on transcript NM_002439.5 (MANE Select); coding-DNA position 2674, A replaced by G.
Protein change: p.Met892Val; replaces methionine 892 with valine.
Molecular consequence: missense variant.
Genome position (GRCh38, 1-based): chr5:80,813,602, A>G. VCF-style: chr5-80813602-A-G. GRCh37 (hg19) VCF-style: chr5-80109421-A-G.
Other names: short protein forms M892V.
Identifiers: ClinVar variation 848488 (VCV000848488.17), dbSNP rs773713925, ClinGen allele CA3328325.

ClinVar aggregate classification (germline): Uncertain significance. Review status: criteria provided, multiple submitters, no conflicts (2 of 4 stars). 5 submissions from 5 submitters: Uncertain significance (5). Last evaluated 2026-01-21.

Conditions:
Endometrial carcinoma. Also called: Endometrial carcinoma, somatic. Identifiers: MedGen C0476089, MONDO:0002447, OMIM 608089, HP:0012114.
Familial adenomatous polyposis 4 (FAP4). Also called: MSH3-related attenuated familial adenomatous polyposis. Identifiers: Orphanet 480536, MedGen C4310719, MONDO:0044300, OMIM 617100.
Hereditary cancer-predisposing syndrome. Also called: Tumor predisposition; Neoplastic Syndromes, Hereditary; Hereditary neoplastic syndrome; Hereditary Cancer Syndrome. Identifiers: Orphanet 140162, MedGen C0027672, MeSH D009386, MONDO:0015356.

Allele frequency attached by ClinVar (database versions not stated): gnomAD exomes below 0.00001 and 0.00001; ExAC 0.00001; gnomAD 0.00003; TOPMed 0.00003.

Submissions (5):

Labcorp Genetics (formerly Invitae), Labcorp
Classification: Uncertain significance. Last evaluated: 2026-01-21. Review status: criteria provided, single submitter. Criteria: Invitae Variant Classification Sherloc (09022015). Collection method: clinical testing. Allele origin: germline.
Comment: This sequence change replaces methionine, which is neutral and non-polar, with valine, which is neutral and non-polar, at codon 892 of the MSH3 protein (p.Met892Val). This variant is present in population databases (rs773713925, gnomAD 0.007%). This missense change has been observed in individual(s) with colon cancer (PMID: 29212164). ClinVar contains an entry for this variant (Variation ID: 848488). An algorithm developed to predict the effect of missense changes on protein structure and function (PolyPhen-2) suggests that this variant is likely to be disruptive. In summary, the available evidence is currently insufficient to determine the role of this variant in disease. Therefore, it has been classified as a Variant of Uncertain Significance.

St. Jude Molecular Pathology, St. Jude Children's Research Hospital
Classification: Uncertain significance for Familial adenomatous polyposis 4. Last evaluated: 2025-06-17. Review status: criteria provided, single submitter. Criteria: St. Jude Assertion Criteria 2020. Collection method: clinical testing. Allele origin: germline.
Comment: MSH3 c.2674A>G p.(Met892Val) missense change has a maximum subpopulation frequency of 0.0062% in gnomAD v2.1.1. The in silico tool REVEL predicts a deleterious effect on protein function, but to our knowledge this prediction has not been confirmed by functional studies. This variant has been reported in an individual with colorectal cancer (PMID: 29212164). In summary, the evidence currently available is insufficient to determine the clinical significance of this variant. It has therefore been classified as of uncertain significance.

Ambry Genetics
Classification: Uncertain significance for Hereditary cancer-predisposing syndrome. Last evaluated: 2024-08-19. Review status: criteria provided, single submitter. Criteria: Ambry Variant Classification Scheme 2023. Collection method: clinical testing. Allele origin: germline.
Comment: The p.M892V variant (also known as c.2674A>G), located in coding exon 20 of the MSH3 gene, results from an A to G substitution at nucleotide position 2674. The methionine at codon 892 is replaced by valine, an amino acid with highly similar properties. This amino acid position is highly conserved in available vertebrate species. In addition, the in silico prediction for this alteration is inconclusive. Based on the available evidence, the clinical significance of this variant remains unclear.

Fulgent Genetics
Classification: Uncertain significance for Endometrial carcinoma; Familial adenomatous polyposis 4. Last evaluated: 2024-06-12. Review status: criteria provided, single submitter. Criteria: ACMG Guidelines, 2015. Collection method: clinical testing. Allele origin: germline.

Baylor Genetics
Classification: Uncertain significance for Endometrial carcinoma. Last evaluated: 2023-11-22. Review status: criteria provided, single submitter. Criteria: ACMG Guidelines, 2015. Collection method: clinical testing. Allele origin: unknown.

Literature cited by the submitters: PubMed 29212164 (cited by Labcorp Genetics (formerly Invitae), Labcorp and Ambry Genetics).